The following is an entry in ClinVar:

ClinVar aggregate classification (germline): Pathogenic/Likely pathogenic. Review status: criteria provided, multiple submitters, no conflicts (2 of 4 stars). 3 submissions from 3 submitters: Pathogenic (2); Likely pathogenic (1). Last evaluated 2025-06-09.

Conditions:
Meier-Gorlin syndrome 1 (MGORS1). Also called: EAR, PATELLA, SHORT STATURE SYNDROME. Identifiers: Orphanet 2554, MedGen C4552001, MONDO:0009143, OMIM 224690.

Allele frequency attached by ClinVar (database versions not stated): gnomAD exomes below 0.00001; TOPMed below 0.00001; ExAC 0.00001; ESP Exome Variant Server 0.00008.
gnomAD v4.1: 5 of 1,614,088 alleles (0.00031%); highest among the groups gnomAD compares: Non-Finnish European, 0.00042%; no homozygotes.

Submissions (3):

Labcorp Genetics (formerly Invitae), Labcorp
Classification: Pathogenic. Last evaluated: 2025-06-09. Review status: criteria provided, single submitter. Criteria: Invitae Variant Classification Sherloc (09022015). Collection method: clinical testing. Allele origin: germline.
Comment: This sequence change creates a premature translational stop signal (p.Arg321*) in the ORC1 gene. It is expected to result in an absent or disrupted protein product. Loss-of-function variants in ORC1 are known to be pathogenic (PMID: 21358633). This variant is present in population databases (rs367611068, gnomAD 0.007%). This variant has not been reported in the literature in individuals affected with ORC1-related conditions. ClinVar contains an entry for this variant (Variation ID: 2969104). For these reasons, this variant has been classified as Pathogenic.

3billion
Classification: Pathogenic for Meier-Gorlin syndrome 1. Last evaluated: 2024-11-07. Review status: criteria provided, single submitter. Criteria: ACMG Guidelines, 2015. Collection method: clinical testing. Allele origin: germline. Affected: yes.
Comment: The variant is observed at an extremely low frequency in the gnomAD v4.1.0 dataset (total allele frequency: <0.001%). Predicted Consequence/Location: Stop-gained (nonsense): predicted to result in a loss or disruption of normal protein function through nonsense-mediated decay (NMD) or protein truncation. Multiple pathogenic variants are reported downstream of the variant. The variant has been reported to be associated with ORC1 related disorder (ClinVar ID: VCV002969104). Therefore, this variant is classified as Pathogenic according to the recommendation of ACMG/AMP guideline.

Department of Pathology and Laboratory Medicine, Sinai Health System
Classification: Likely pathogenic for Meier-Gorlin syndrome 1. Last evaluated: 2022-04-26. Review status: criteria provided, single submitter. Criteria: ACMG Guidelines, 2015. Collection method: research. Allele origin: germline.

Literature cited by the submitters: PubMed 21358633 (cited by Labcorp Genetics (formerly Invitae), Labcorp).

NM_004153.4(ORC1):c.961C>T (p.Arg321Ter)

Gene: ORC1 (origin recognition complex subunit 1; minus strand). Cytogenetic location: 1p32.3.
Variant type: single nucleotide variant.
Coding change: c.961C>T on transcript NM_004153.4 (MANE Select); coding-DNA position 961, C replaced by T.
Protein change: p.Arg321Ter; replaces arginine 321 with a stop codon.
Molecular consequence: nonsense.
Genome position (GRCh38, 1-based): chr1:52,393,564, G>A on the plus strand (C>T on the coding strand, the complement: ORC1 is on the minus strand). VCF-style: chr1-52393564-G-A. GRCh37 (hg19) VCF-style: chr1-52859236-G-A.
Other names: c.961C>T, p.Arg321Ter (NM_001190818.2, NM_001190819.2); short protein forms R321*.
Identifiers: ClinVar variation 2969104 (VCV002969104.5), dbSNP rs367611068, ClinGen allele CA853476.